The following is an entry in ClinVar:

ClinVar aggregate classification (germline): Uncertain significance (1 of 4 stars; one submission).

gnomAD v4.1: 1 of 1,612,428 alleles (0.000062%); highest among the groups gnomAD compares: Admixed American, 0.0017%; no homozygotes.

Submission:

CeGaT Center for Human Genetics Tuebingen
Classification: Uncertain significance. Last evaluated: 2026-06-01. Review status: criteria provided, single submitter. Criteria: CeGaT Center For Human Genetics Tuebingen Variant Classification Criteria Version 2. Collection method: clinical testing. Allele origin: germline. Affected: yes. Observed: 1 variant allele.
Comment: CDH11: PM2, BP4

NM_001797.4(CDH11):c.1039G>T (p.Val347Leu)

Gene: CDH11 (cadherin 11; minus strand). Cytogenetic location: 16q21.
Variant type: single nucleotide variant.
Coding change: c.1039G>T on transcript NM_001797.4 (MANE Select); coding-DNA position 1039, G replaced by T.
Protein change: p.Val347Leu; replaces valine 347 with leucine.
Molecular consequence: missense variant.
Genome position (GRCh38, 1-based): chr16:64,982,262, C>A on the plus strand (G>T on the coding strand, the complement: CDH11 is on the minus strand). VCF-style: chr16-64982262-C-A. GRCh37 (hg19) VCF-style: chr16-65016165-C-A.
Other names: c.1039G>T, p.Val347Leu (NM_001308392.2); c.661G>T, p.Val221Leu (NM_001330576.2); short protein forms V221L, V347L.
Identifiers: ClinVar variation 4875049 (VCV004875049.2).